The following is an entry in ClinVar:

ClinVar aggregate classification (germline): Pathogenic (1 of 4 stars; one submission).

Conditions:
Osteogenesis imperfecta type I (OI1). Also called: Classic Non-deforming Osteogenesis Imperfecta with Blue Sclerae; OI, TYPE I; OSTEOGENESIS IMPERFECTA TARDA; OSTEOGENESIS IMPERFECTA WITH BLUE SCLERAE; Osteogenesis imperfecta type 1; Lobstein's Disease. Identifiers: Orphanet 216796, Orphanet 666, MedGen C0023931, MONDO:0008146, OMIM 166200. Disease mechanism: loss of function.

Submission:

Labcorp Genetics (formerly Invitae), Labcorp
Classification: Pathogenic for Osteogenesis imperfecta type I. Last evaluated: 2024-04-14. Review status: criteria provided, single submitter. Criteria: Invitae Variant Classification Sherloc (09022015). Collection method: clinical testing. Allele origin: germline.
Comment: This sequence change creates a premature translational stop signal (p.Glu904*) in the COL1A1 gene. It is expected to result in an absent or disrupted protein product. Loss-of-function variants in COL1A1 are known to be pathogenic (PMID: 7942841, 9295084, 9443882). This variant is not present in population databases (gnomAD no frequency). This variant has not been reported in the literature in individuals affected with COL1A1-related conditions. For these reasons, this variant has been classified as Pathogenic.

Literature cited by the submitters: PubMed 7942841; PubMed 9295084; PubMed 9443882.

NM_000088.4(COL1A1):c.2710G>T (p.Glu904Ter)

Gene: COL1A1 (collagen type I alpha 1 chain; minus strand). Cytogenetic location: 17q21.33.
Variant type: single nucleotide variant.
Coding change: c.2710G>T on transcript NM_000088.4 (MANE Select); coding-DNA position 2710, G replaced by T.
Protein change: p.Glu904Ter; replaces glutamic acid 904 with a stop codon.
Molecular consequence: nonsense.
Genome position (GRCh38, 1-based): chr17:50,189,496, C>A on the plus strand (G>T on the coding strand, the complement: COL1A1 is on the minus strand). VCF-style: chr17-50189496-C-A. GRCh37 (hg19) VCF-style: chr17-48266857-C-A.
Other names: short protein forms E904*.
Identifiers: ClinVar variation 3649824 (VCV003649824.2).